The following is an entry in ClinVar:

NM_002890.3(RASA1):c.474dup (p.Leu159fs)

Gene: RASA1 (RAS p21 protein activator 1; plus strand). Cytogenetic location: 5q14.3.
Variant type: Duplication.
Coding change: c.474dup on transcript NM_002890.3 (MANE Select); coding-DNA position 474, one base duplicated (T; older notation c.474dupT).
Protein change: p.Leu159fs; shifts the reading frame from leucine 159.
Molecular consequence: frameshift variant.
Genome position (GRCh38, 1-based): chr5:87,268,925, T duplicated. VCF-style (leftmost placement, unchanged base first): chr5-87268924-C-CT. GRCh37 (hg19) VCF-style: chr5-86564741-C-CT.
Other names: short protein forms L159fs.
Identifiers: ClinVar variation 2001480 (VCV002001480.4), dbSNP rs2531003684, ClinGen allele CA2580073686.

ClinVar aggregate classification (germline): Pathogenic (1 of 4 stars; one submission).

Conditions:
Capillary malformation-arteriovenous malformation syndrome. Also called: Capillary malformation-arteriovenous malformation. Identifiers: Orphanet 137667, MedGen C1842180, MONDO:0012016.

Submission:

Labcorp Genetics (formerly Invitae), Labcorp
Classification: Pathogenic for Capillary malformation-arteriovenous malformation syndrome. Last evaluated: 2022-05-31. Review status: criteria provided, single submitter. Criteria: Invitae Variant Classification Sherloc (09022015). Collection method: clinical testing. Allele origin: germline.
Comment: For these reasons, this variant has been classified as Pathogenic. This variant has not been reported in the literature in individuals affected with RASA1-related conditions. This variant is not present in population databases (gnomAD no frequency). This sequence change creates a premature translational stop signal (p.Leu159Serfs*21) in the RASA1 gene. It is expected to result in an absent or disrupted protein product. Loss-of-function variants in RASA1 are known to be pathogenic (PMID: 24038909).

Literature cited by the submitters: PubMed 24038909.